The following is an entry in ClinVar:

NM_006070.6(TFG):c.1199G>A (p.Arg400Gln)

Gene: TFG (trafficking from ER to golgi regulator; plus strand). Cytogenetic location: 3q12.2.
Variant type: single nucleotide variant.
Coding change: c.1199G>A on transcript NM_006070.6 (MANE Select); coding-DNA position 1199, G replaced by A.
Protein change: p.Arg400Gln; replaces arginine 400 with glutamine.
Molecular consequence: missense variant.
Genome position (GRCh38, 1-based): chr3:100,748,527, G>A. VCF-style: chr3-100748527-G-A. GRCh37 (hg19) VCF-style: chr3-100467371-G-A.
Other names: c.1199G>A, p.Arg400Gln (NM_001007565.2, NM_001195478.2); c.1187G>A, p.Arg396Gln (NM_001195479.2); short protein forms R400Q, R396Q.
Identifiers: ClinVar variation 581201 (VCV000581201.12), dbSNP rs963151000, ClinGen allele CA353854844.

ClinVar aggregate classification (germline): Conflicting classifications of pathogenicity. Review status: criteria provided, conflicting classifications (1 of 4 stars). 2 submissions from 2 submitters: Uncertain significance (1); Likely benign (1). Last evaluated 2026-04-14.

Conditions:
Hereditary motor and sensory neuropathy, Okinawa type (HMSNO). Also called: HEREDITARY MOTOR AND SENSORY NEUROPATHY, PROXIMAL TYPE. Identifiers: Orphanet 90117, MedGen C1858338, MONDO:0011468, OMIM 604484.
Hereditary spastic paraplegia 57. Also called: Spastic paraplegia 57, autosomal recessive. Identifiers: Orphanet 431329, MedGen C3714897, MONDO:0014295, OMIM 615658.

Allele frequency attached by ClinVar (database versions not stated): gnomAD exomes below 0.00001; TOPMed 0.00001.
gnomAD v4.1: 11 of 1,609,582 alleles (0.00068%); highest among the groups gnomAD compares: East Asian, 0.0022%; no homozygotes.

Submissions (2):

Women's Health and Genetics/Laboratory Corporation of America, LabCorp
Classification: Uncertain significance. Last evaluated: 2026-04-14. Review status: criteria provided, single submitter. Criteria: LabCorp Variant Classification Summary - May 2015. Collection method: clinical testing. Allele origin: germline.
Comment: Variant summary: TFG c.1199G>A (p.Arg400Gln) results in a conservative amino acid change in the encoded protein sequence. Algorithms developed to predict the effect of missense changes on protein structure and function are either unavailable or do not agree on the potential impact of this missense change. The variant allele was found at a frequency of 4e-06 in 247544 control chromosomes. The available data on variant occurrences in the general population are insufficient to allow any conclusion about variant significance. To our knowledge, no occurrence of c.1199G>A in individuals affected with TFG-related conditions and no experimental evidence demonstrating its impact on protein function have been reported. ClinVar contains an entry for this variant (Variation ID: 581201). Based on the evidence outlined above, the variant was classified as uncertain significance.

Labcorp Genetics (formerly Invitae), Labcorp
Classification: Likely benign for Hereditary motor and sensory neuropathy, Okinawa type; Hereditary spastic paraplegia 57. Last evaluated: 2025-10-25. Review status: criteria provided, single submitter. Criteria: Invitae Variant Classification Sherloc (09022015). Collection method: clinical testing. Allele origin: germline.